The following is an entry in ClinVar:

ClinVar aggregate classification (germline): Uncertain significance (1 of 4 stars; one submission).

Conditions:
Very long chain acyl-CoA dehydrogenase deficiency (ACADVLD). Also called: Very Long-Chain Acyl-Coenzyme A Dehydrogenase Deficiency; VLCAD Deficiency. Identifiers: Orphanet 26793, MedGen C3887523, MONDO:0008723, OMIM 201475.

Submission:

Labcorp Genetics (formerly Invitae), Labcorp
Classification: Uncertain significance for Very long chain acyl-CoA dehydrogenase deficiency. Last evaluated: 2022-08-12. Review status: criteria provided, single submitter. Criteria: Invitae Variant Classification Sherloc (09022015). Collection method: clinical testing. Allele origin: germline.
Comment: In summary, the available evidence is currently insufficient to determine the role of this variant in disease. Therefore, it has been classified as a Variant of Uncertain Significance. Algorithms developed to predict the effect of missense changes on protein structure and function (SIFT, PolyPhen-2, Align-GVGD) all suggest that this variant is likely to be tolerated. This variant has not been reported in the literature in individuals affected with ACADVL-related conditions. This variant is not present in population databases (gnomAD no frequency). This sequence change replaces glutamic acid, which is acidic and polar, with lysine, which is basic and polar, at codon 371 of the ACADVL protein (p.Glu371Lys).

NM_000018.4(ACADVL):c.1111G>A (p.Glu371Lys)

Gene: ACADVL (acyl-CoA dehydrogenase very long chain; plus strand). Cytogenetic location: 17p13.1.
Variant type: single nucleotide variant.
Coding change: c.1111G>A on transcript NM_000018.4 (MANE Select); coding-DNA position 1111, G replaced by A.
Protein change: p.Glu371Lys; replaces glutamic acid 371 with lysine.
Molecular consequence: missense variant.
Genome position (GRCh38, 1-based): chr17:7,223,166, G>A. VCF-style: chr17-7223166-G-A. GRCh37 (hg19) VCF-style: chr17-7126485-G-A.
Other names: c.1045G>A, p.Glu349Lys (NM_001033859.3); c.1180G>A, p.Glu394Lys (NM_001270447.2); c.883G>A, p.Glu295Lys (NM_001270448.2); short protein forms E371K, E349K, E295K, E394K.
Identifiers: ClinVar variation 1999565 (VCV001999565.4), dbSNP rs2508328576, ClinGen allele CA397724375.